The following is an entry in ClinVar:

NM_172250.3(MMAA):c.72C>A (p.Tyr24Ter)

Gene: MMAA (metabolism of cobalamin associated A; plus strand). Cytogenetic location: 4q31.21.
Variant type: single nucleotide variant.
Coding change: c.72C>A on transcript NM_172250.3 (MANE Select); coding-DNA position 72, C replaced by A.
Protein change: p.Tyr24Ter; replaces tyrosine 24 with a stop codon.
Molecular consequence: nonsense.
Genome position (GRCh38, 1-based): chr4:145,639,211, C>A. VCF-style: chr4-145639211-C-A. GRCh37 (hg19) VCF-style: chr4-146560363-C-A.
Other names: short protein forms Y24*.
Identifiers: ClinVar variation 440795 (VCV000440795.9), dbSNP rs1553957883, ClinGen allele CA358351092.

ClinVar aggregate classification (germline): Pathogenic/Likely pathogenic. Review status: criteria provided, multiple submitters, no conflicts (2 of 4 stars). 6 submissions from 6 submitters: Pathogenic (4); Likely pathogenic (1). 1 of the submissions does not count toward it. Last evaluated 2024-12-17.

Conditions:
Methylmalonic aciduria of the cblA complementation type.
Methylmalonic aciduria, cblA type (MACA). Also called: Vitamin B12-responsive methylmalonic acidemia type cblA; Methylmalonic aciduria, vitamin B12-responsive; Methylmalonic aciduria, vitamin b12-responsive, due to defect in synthesis of adenosylcobalamin, cbla complementation type; MMA cbl A type; Methylmalonic acidemia cblA type. Identifiers: Orphanet 28, Orphanet 79310, MedGen C1855109, MONDO:0009613, OMIM 251100.

Allele frequency attached by ClinVar (database versions not stated): gnomAD exomes below 0.00001.
gnomAD v4.1: 2 of 1,614,148 alleles (0.00012%); highest among the groups gnomAD compares: South Asian, 0.0022%; no homozygotes.

Submissions (6):

Genetics and Genomic Medicine Centre, NeuroGen Healthcare, NeuroGen Healthcare
Classification: Pathogenic for Methylmalonic aciduria, cblA type. Last evaluated: 2024-12-17. Review status: criteria provided, single submitter. Criteria: ACMG Guidelines, 2015. Collection method: clinical testing. Allele origin: unknown. Affected: yes.

Fulgent Genetics
Classification: Likely pathogenic for Methylmalonic aciduria, cblA type. Last evaluated: 2024-06-04. Review status: criteria provided, single submitter. Criteria: ACMG Guidelines, 2015. Collection method: clinical testing. Allele origin: germline.

Labcorp Genetics (formerly Invitae), Labcorp
Classification: Pathogenic for Methylmalonic aciduria, cblA type. Last evaluated: 2024-01-28. Review status: criteria provided, single submitter. Criteria: Invitae Variant Classification Sherloc (09022015). Collection method: clinical testing. Allele origin: germline.
Comment: This sequence change creates a premature translational stop signal (p.Tyr24*) in the MMAA gene. It is expected to result in an absent or disrupted protein product. Loss-of-function variants in MMAA are known to be pathogenic (PMID: 15523652, 15781192). This variant is not present in population databases (gnomAD no frequency). This premature translational stop signal has been observed in individual(s) with clinical features of MMACblA (PMID: 27591164). ClinVar contains an entry for this variant (Variation ID: 440795). For these reasons, this variant has been classified as Pathogenic.

CENTOGENE GmbH and LLC - Guiding Precision Medicine
Classification: Pathogenic for Methylmalonic aciduria of the cblA complementation type. Review status: criteria provided, single submitter. Criteria: ACMG Guidelines, 2015. Collection method: clinical testing. Allele origin: germline. Affected: yes.

University Children's Hospital, University of Zurich
Classification: Pathogenic for Methylmalonic aciduria, cblA type. Review status: criteria provided, single submitter. Criteria: ZB-IEM Variant Assertion Criteria. Collection method: clinical testing. Allele origin: germline. Affected: yes. Observed: 1 variant allele.

Counsyl
Classification: Pathogenic for Methylmalonic aciduria, cblA type. Last evaluated: 2017-09-28. Review status: no assertion criteria provided. Collection method: clinical testing. Allele origin: unknown. Not counted in ClinVar's aggregate classification.

Literature cited by the submitters: PubMed 15523652 (cited by Labcorp Genetics (formerly Invitae), Labcorp); PubMed 15781192 (cited by Labcorp Genetics (formerly Invitae), Labcorp); PubMed 27591164 (cited by Labcorp Genetics (formerly Invitae), Labcorp and Counsyl); PubMed 28497574 (cited by Counsyl).